The following is an entry in ClinVar:

ClinVar aggregate classification (germline): Likely pathogenic. Review status: criteria provided, single submitter (1 of 4 stars). 3 submissions from 3 submitters: Likely pathogenic (1). 2 of the submissions do not count toward it.

Conditions:
Renal coloboma syndrome (PAPRS). Also called: COLOBOMA OF OPTIC NERVE WITH RENAL DISEASE; PAPILLORENAL SYNDROME; CONGENITAL ANOMALIES OF THE KIDNEY AND URINARY TRACT WITH OR WITHOUT OCULAR ABNORMALITIES; CAKUT WITH OR WITHOUT OCULAR ABNORMALITIES; OPTIC COLOBOMA, VESICOURETERAL REFLUX, AND RENAL ANOMALIES; OPTIC NERVE COLOBOMA WITH RENAL DISEASE. Identifiers: Orphanet 1475, MedGen C1852759, MONDO:0007352, OMIM 120330.
Focal segmental glomerulosclerosis 7 (FSGS7). Identifiers: Orphanet 656, MedGen C4014925, MONDO:0014451, OMIM 616002.

Submissions (3):

Precision Medicine Center, Zhengzhou University
Classification: Likely pathogenic for Renal coloboma syndrome. Review status: criteria provided, single submitter. Criteria: ACMG Guidelines, 2015. Collection method: research. Allele origin: germline. Affected: yes.
Comment: PM1:Located in a mutational hot spot PM2:not found in gnomAD PP2:Missense variant in a gene that has a low rate of benign missense variation and in which missense variants are a common mechanism of disease PP3:Multiple lines of computational evidence support a deleterious effect on the gene or gene product

Gharavi Laboratory, Columbia University
Classification: Pathogenic for Papillorenal syndrome. Last evaluated: 2024-11-05. Review status: no assertion criteria provided. Criteria: ACMG Guidelines, 2015. Collection method: case-control. Allele origin: germline. Affected: yes. Not counted in ClinVar's aggregate classification.

Bioscientia Institut fuer Medizinische Diagnostik GmbH, Sonic Healthcare
Classification: Uncertain significance for Focal segmental glomerulosclerosis 7. Last evaluated: 2019-05-23. Review status: no assertion criteria provided. Collection method: clinical testing. Allele origin: germline. Affected: yes. Not counted in ClinVar's aggregate classification.

NM_000278.5(PAX2):c.148C>T (p.Arg50Trp)

Gene: PAX2 (paired box 2; plus strand). Cytogenetic location: 10q24.31.
Variant type: single nucleotide variant.
Coding change: c.148C>T on transcript NM_000278.5 (MANE Select); coding-DNA position 148, C replaced by T.
Protein change: p.Arg50Trp; replaces arginine 50 with tryptophan.
Molecular consequence: missense variant.
Genome position (GRCh38, 1-based): chr10:100,749,850, C>T. VCF-style: chr10-100749850-C-T. GRCh37 (hg19) VCF-style: chr10-102509607-C-T.
Other names: c.241C>T, p.Arg81Trp (NM_001304569.2); c.148C>T, p.Arg50Trp (NM_003987.5, NM_003988.5, NM_003989.5 and 1 more transcripts); short protein forms R81W, R50W.
Identifiers: ClinVar variation 829843 (VCV000829843.4), dbSNP rs759356936, ClinGen allele CA213063354.